The following is an entry in ClinVar:

ClinVar aggregate classification (germline): Uncertain significance. Review status: criteria provided, multiple submitters, no conflicts (2 of 4 stars). 2 submissions from 2 submitters: Uncertain significance (2). Last evaluated 2024-06-05.

Conditions:
Congenital muscular hypertrophy-cerebral syndrome (CDLS2). Also called: Cornelia de Lange syndrome 2; SMC1A-Related Cornelia de Lange Syndrome. Identifiers: Orphanet 199, MedGen C1802395, MONDO:0010370, OMIM 300590.

Allele frequency attached by ClinVar (database versions not stated): gnomAD exomes below 0.00001; TOPMed below 0.00001; gnomAD 0.00001.
gnomAD v4.1: 4 of 1,210,726 alleles (0.00033%); highest among the groups gnomAD compares: African/African-American, 0.0017%; no homozygotes.

Submissions (2):

Labcorp Genetics (formerly Invitae), Labcorp
Classification: Uncertain significance for Congenital muscular hypertrophy-cerebral syndrome. Last evaluated: 2024-06-05. Review status: criteria provided, single submitter. Criteria: Invitae Variant Classification Sherloc (09022015). Collection method: clinical testing. Allele origin: germline.
Comment: This sequence change replaces arginine, which is basic and polar, with cysteine, which is neutral and slightly polar, at codon 627 of the SMC1A protein (p.Arg627Cys). This variant is not present in population databases (gnomAD no frequency). This variant has not been reported in the literature in individuals affected with SMC1A-related conditions. ClinVar contains an entry for this variant (Variation ID: 1972610). Advanced modeling of protein sequence and biophysical properties (such as structural, functional, and spatial information, amino acid conservation, physicochemical variation, residue mobility, and thermodynamic stability) has been performed at Invitae for this missense variant, however the output from this modeling did not meet the statistical confidence thresholds required to predict the impact of this variant on SMC1A protein function. In summary, the available evidence is currently insufficient to determine the role of this variant in disease. Therefore, it has been classified as a Variant of Uncertain Significance.

CeGaT Center for Human Genetics Tuebingen
Classification: Uncertain significance. Last evaluated: 2022-05-01. Review status: criteria provided, single submitter. Criteria: CeGaT Center For Human Genetics Tuebingen Variant Classification Criteria Version 2. Collection method: clinical testing. Allele origin: germline. Affected: yes. Observed: 1 variant allele.
Comment: SMC1A: PM2, PP2, PP3

NM_006306.4(SMC1A):c.1879C>T (p.Arg627Cys)

Gene: SMC1A (structural maintenance of chromosomes 1A; minus strand). Cytogenetic location: Xp11.22.
Variant type: single nucleotide variant.
Coding change: c.1879C>T on transcript NM_006306.4 (MANE Select); coding-DNA position 1879, C replaced by T.
Protein change: p.Arg627Cys; replaces arginine 627 with cysteine.
Molecular consequence: missense variant.
Genome position (GRCh38, 1-based): chrX:53,405,525, G>A on the plus strand (C>T on the coding strand, the complement: SMC1A is on the minus strand). VCF-style: chrX-53405525-G-A. GRCh37 (hg19) VCF-style: chrX-53432457-G-A.
Other names: c.1813C>T, p.Arg605Cys (NM_001281463.1); short protein forms R605C, R627C.
Identifiers: ClinVar variation 1972610 (VCV001972610.29), dbSNP rs1429718803, ClinGen allele CA413252783.
Genomic context (GRCh38, chrX:53,405,525, plus strand): 5'-GCTCCAGCCTGGGCAAGGGAATCCACACCTTGTGGCGCTGGTGGCCTCCAAAGGCAATGC[G>A]GCGGGCATCTTCCACGTTGTCACAGACAAGGGCATTGCCACAAGCATACTGCAGGGCCTT-3'
Protein context (NP_006297.2, residues 617-637): LVCDNVEDAR[Arg627Cys]IAFGGHQRHK